The following is an entry in ClinVar:

ClinVar aggregate classification (germline): Likely benign (1 of 4 stars; one submission).

gnomAD v4.1: 8 of 1,527,872 alleles (0.00052%); highest among the groups gnomAD compares: Non-Finnish European, 0.0007%; no homozygotes.

Submission:

CeGaT Center for Human Genetics Tuebingen
Classification: Likely benign. Last evaluated: 2024-04-01. Review status: criteria provided, single submitter. Criteria: CeGaT Center For Human Genetics Tuebingen Variant Classification Criteria Version 2. Collection method: clinical testing. Allele origin: germline. Affected: yes. Observed: 1 variant allele.
Comment: TANC2: BP4

NM_001394998.1(TANC2):c.1033+8T>G

Gene: TANC2 (tetratricopeptide repeat, ankyrin repeat and coiled-coil containing 2; plus strand). Cytogenetic location: 17q23.3.
Variant type: single nucleotide variant.
Coding change: c.1033+8T>G on transcript NM_001394998.1 (MANE Select); 8 bases into the intron after coding-DNA position 1033, T replaced by G.
Molecular consequence: intron variant.
Genome position (GRCh38, 1-based): chr17:63,238,085, T>G. VCF-style: chr17-63238085-T-G. GRCh37 (hg19) VCF-style: chr17-61315446-T-G.
Other names: c.811+8T>G (NM_001411076.1, NM_025185.4).
Identifiers: ClinVar variation 3234567 (VCV003234567.20), dbSNP rs1385133418, ClinGen allele CA627086238.